The following is an entry in ClinVar:

ClinVar aggregate classification (germline): Uncertain significance (1 of 4 stars; one submission).

Conditions:
Left ventricular noncompaction 8 (LVNC8). Identifiers: Orphanet 154, Orphanet 54260, MedGen C3809288, MONDO:0014152, OMIM 615373.

Allele frequency attached by ClinVar (database versions not stated): TOPMed below 0.00001; gnomAD 0.00001.
gnomAD v4.1: 1 of 152,254 alleles (0.00066%); highest among the groups gnomAD compares: East Asian, 0.019%; no homozygotes.

Submission:

New York Genome Center
Classification: Uncertain significance for Left ventricular noncompaction 8. Last evaluated: 2023-01-13. Review status: criteria provided, single submitter. Criteria: NYGC Assertion Criteria 2020. Collection method: clinical testing. Allele origin: germline. Observed: 1 heterozygote.
Comment: The c.2940-845G>A variant in PRDM16 has not previously been reported in the literature or public variant repositories (ClinVar and LOVD). The c.2940-845G>A variant is observed in 2 alleles (~0.0006% minor allele frequency with 0 homozygotes) in population databases (gnomAD v3.1.2 and TOPMed Freeze 8), suggesting it is not a common benign variant in the populations represented in those databases. The c.2940-845G>A variant is located in intron 12 of this 17-exon gene. In silico tools slightly predict a splicing effect [spliceAI: 0.289 donor gain]; however, there are no functional studies to support or refute these predictions. Based on available evidence this c.2940-845G>A variant identified in PRDM16 is classified as a Variant of Uncertain Significance.

NM_022114.4(PRDM16):c.2940-845G>A

Gene: PRDM16 (PR/SET domain 16; plus strand). Cytogenetic location: 1p36.32.
Variant type: single nucleotide variant.
Coding change: c.2940-845G>A on transcript NM_022114.4 (MANE Select); 845 bases into the intron before coding-DNA position 2940, G replaced by A.
Molecular consequence: intron variant.
Genome position (GRCh38, 1-based): chr1:3,424,736, G>A. VCF-style: chr1-3424736-G-A. GRCh37 (hg19) VCF-style: chr1-3341300-G-A.
Other names: c.2940-845G>A (NM_199454.3).
Identifiers: ClinVar variation 2584554 (VCV002584554.1), dbSNP rs1398831276, ClinGen allele CA520707151.
Genomic context (GRCh38, chr1:3,424,736, plus strand): 5'-TCCAGGGCAGCCCCCAAGCCCTCCATGAATGGACTGGCAAACTGAGGCTCCAAGTGAGGT[G>A]GGGCCTGCCCAGGGGCCCCCAGCCACCTCGAGGGGTGGAGGAGGAAGGTCACAGGGAGCT-3'